The following is an entry in ClinVar:

ClinVar aggregate classification (germline): Uncertain significance. Review status: criteria provided, multiple submitters, no conflicts (2 of 4 stars). 4 submissions from 4 submitters: Uncertain significance (4). Last evaluated 2025-10-28.

Conditions:
Ehlers-Danlos syndrome, type 4 (EDSVASC). Also called: Ehlers-Danlos syndrome vascular type; Ehlers Danlos syndrome, ecchymotic type; Ehlers Danlos syndrome, arterial type; Ehlers Danlos syndrome, Sack-Barabas type; Ehlers-Danlos Syndrome Type IV. Identifiers: Orphanet 286, MedGen C0268338, MONDO:0017314, OMIM 130050.
Familial thoracic aortic aneurysm and aortic dissection (TAAD). Also called: Thoracic aortic aneurysms and dissections. Identifiers: Orphanet 91387, MedGen C4707243, MONDO:0019625.

gnomAD v4.1: 10 of 1,613,872 alleles (0.00062%); highest among the groups gnomAD compares: East Asian, 0.022%; no homozygotes.

Submissions (4):

Mayo Clinic Laboratories, Mayo Clinic
Classification: Uncertain significance. Last evaluated: 2025-10-28. Review status: criteria provided, single submitter. Criteria: ACMG Guidelines, 2015. Collection method: clinical testing. Allele origin: germline. Observed: 1 variant allele.
Comment: PP2, PM2_supporting

Labcorp Genetics (formerly Invitae), Labcorp
Classification: Uncertain significance for Ehlers-Danlos syndrome, type 4. Last evaluated: 2025-05-13. Review status: criteria provided, single submitter. Criteria: Invitae Variant Classification Sherloc (09022015). Collection method: clinical testing. Allele origin: germline.
Comment: This sequence change replaces threonine, which is neutral and polar, with lysine, which is basic and polar, at codon 1418 of the COL3A1 protein (p.Thr1418Lys). This variant is not present in population databases (gnomAD no frequency). This variant has not been reported in the literature in individuals affected with COL3A1-related conditions. ClinVar contains an entry for this variant (Variation ID: 1171816). Experimental studies and prediction algorithms are not available or were not evaluated, and the functional significance of this variant is currently unknown. In summary, the available evidence is currently insufficient to determine the role of this variant in disease. Therefore, it has been classified as a Variant of Uncertain Significance.

All of Us Research Program, National Institutes of Health
Classification: Uncertain significance for Ehlers-Danlos syndrome, type 4. Last evaluated: 2023-05-04. Review status: criteria provided, single submitter. Criteria: ACMG Guidelines, 2015. Collection method: clinical testing. Allele origin: germline. Inheritance: Autosomal dominant inheritance. Observed: 1 variant allele, 1 heterozygote.
Comment: This missense variant replaces threonine with lysine at codon 1418 of the COL3A1 protein. Computational prediction suggests that this variant may not impact protein structure and function (internally defined REVEL score threshold <= 0.5, PMID: 27666373). To our knowledge, functional studies have not been reported for this variant. This variant has not been reported in individuals affected with cardiovascular disorders in the literature. This variant has not been identified in the general population by the Genome Aggregation Database (gnomAD). The available evidence is insufficient to determine the role of this variant in disease conclusively. Therefore, this variant is classified as a Variant of Uncertain Significance.

This study involves interpretation of variants in research participants for the purpose of population health screening. Participant phenotype was not available at the time of variant classification. Additional details can be found in publication PMID: 35346344, PMCID: PMC8962531

Color Diagnostics, LLC DBA Color Health
Classification: Uncertain significance for Familial thoracic aortic aneurysm and aortic dissection. Last evaluated: 2023-04-05. Review status: criteria provided, single submitter. Criteria: ACMG Guidelines, 2015. Collection method: clinical testing. Allele origin: germline.
Comment: This missense variant replaces threonine with lysine at codon 1418 of the COL3A1 protein. Computational prediction suggests that this variant may not impact protein structure and function (internally defined REVEL score threshold <= 0.5, PMID: 27666373). To our knowledge, functional studies have not been reported for this variant. This variant has not been reported in individuals affected with cardiovascular disorders in the literature. This variant has not been identified in the general population by the Genome Aggregation Database (gnomAD). The available evidence is insufficient to determine the role of this variant in disease conclusively. Therefore, this variant is classified as a Variant of Uncertain Significance.

NM_000090.4(COL3A1):c.4253C>A (p.Thr1418Lys)

Gene: COL3A1 (collagen type III alpha 1 chain; plus strand). Cytogenetic location: 2q32.2.
Variant type: single nucleotide variant.
Coding change: c.4253C>A on transcript NM_000090.4 (MANE Select); coding-DNA position 4253, C replaced by A.
Protein change: p.Thr1418Lys; replaces threonine 1418 with lysine.
Molecular consequence: missense variant.
Genome position (GRCh38, 1-based): chr2:189,010,889, C>A. VCF-style: chr2-189010889-C-A. GRCh37 (hg19) VCF-style: chr2-189875615-C-A.
Other names: p.Thr1418Lys; short protein forms T1418K.
Identifiers: ClinVar variation 1171816 (VCV001171816.8), dbSNP rs1012915558, ClinGen allele CA62564558.